The following is an entry in ClinVar:

NM_000089.4(COL1A2):c.3532_3543del (p.Tyr1178_Asp1181del)

Gene: COL1A2 (collagen type I alpha 2 chain; plus strand). Cytogenetic location: 7q21.3.
Variant type: Deletion.
Coding change: c.3532_3543del on transcript NM_000089.4 (MANE Select); coding-DNA positions 3532 to 3543, 12 bases deleted (TACTGGATTGAC).
Protein change: p.Tyr1178_Asp1181del.
Molecular consequence: inframe deletion.
Genome position (GRCh38, 1-based): chr7:94,428,298-94,428,309, TACTGGATTGAC deleted; deleting any 12 consecutive bases within chr7:94,428,296-94,428,309 gives the same sequence; the c. name uses the placement nearest the transcript's 3' end. VCF-style (leftmost placement, unchanged base first): chr7-94428295-TACTACTGGATTG-T. GRCh37 (hg19) VCF-style: chr7-94057607-TACTACTGGATTG-T.
Identifiers: ClinVar variation 447154 (VCV000447154.6), dbSNP rs1554398685, ClinGen allele CA658657694.

ClinVar aggregate classification (germline): Uncertain significance. Review status: criteria provided, multiple submitters, no conflicts (2 of 4 stars). 2 submissions from 2 submitters: Uncertain significance (2). Last evaluated 2023-01-14.

Conditions:
Ehlers-Danlos syndrome, classic type, 1 (EDSCL1). Also called: EHLERS-DANLOS SYNDROME, GRAVIS TYPE; EHLERS-DANLOS SYNDROME, SEVERE CLASSIC TYPE; EDS I; Ehlers-Danlos Syndrome, Classic Type, COL5A1-Related; Ehlers-Danlos syndrome, type 1. Identifiers: MedGen C0268335, MONDO:0019567, OMIM 130000.
Osteogenesis imperfecta type I (OI1). Also called: OI, TYPE I; OSTEOGENESIS IMPERFECTA TARDA; OSTEOGENESIS IMPERFECTA WITH BLUE SCLERAE; Classic Non-deforming Osteogenesis Imperfecta with Blue Sclerae; Lobstein disease; Osteogenesis imperfecta type 1. Identifiers: Orphanet 216796, Orphanet 666, MedGen C0023931, MONDO:0008146, OMIM 166200. Disease mechanism: loss of function.

Submissions (2):

Labcorp Genetics (formerly Invitae), Labcorp
Classification: Uncertain significance for Osteogenesis imperfecta type I; Ehlers-Danlos syndrome, classic type, 1. Last evaluated: 2023-01-14. Review status: criteria provided, single submitter. Criteria: Invitae Variant Classification Sherloc (09022015). Collection method: clinical testing. Allele origin: germline.
Comment: This variant has not been reported in the literature in individuals affected with COL1A2-related conditions. In summary, the available evidence is currently insufficient to determine the role of this variant in disease. Therefore, it has been classified as a Variant of Uncertain Significance. Experimental studies and prediction algorithms are not available or were not evaluated, and the functional significance of this variant is currently unknown. ClinVar contains an entry for this variant (Variation ID: 447154). This variant is not present in population databases (gnomAD no frequency). This variant, c.3532_3543del, results in the deletion of 4 amino acid(s) of the COL1A2 protein (p.Tyr1178_Asp1181del), but otherwise preserves the integrity of the reading frame.

Athena Diagnostics
Classification: Uncertain significance. Last evaluated: 2016-12-27. Review status: criteria provided, single submitter. Criteria: Athena Diagnostics Criteria. Collection method: clinical testing. Allele origin: germline.